The following is an entry in ClinVar:

ClinVar aggregate classification (germline): Uncertain significance (1 of 4 stars; one submission).

Submission:

Labcorp Genetics (formerly Invitae), Labcorp
Classification: Uncertain significance. Last evaluated: 2023-11-27. Review status: criteria provided, single submitter. Criteria: Invitae Variant Classification Sherloc (09022015). Collection method: clinical testing. Allele origin: germline.
Comment: This sequence change affects codon 240 of the GNAT2 mRNA. It is a 'silent' change, meaning that it does not change the encoded amino acid sequence of the GNAT2 protein. This variant also falls at the last nucleotide of exon 6, which is part of the consensus splice site for this exon. This variant is not present in population databases (gnomAD no frequency). This variant has not been reported in the literature in individuals affected with GNAT2-related conditions. ClinVar contains an entry for this variant (Variation ID: 1997994). Variants that disrupt the consensus splice site are a relatively common cause of aberrant splicing (PMID: 17576681, 9536098). Algorithms developed to predict the effect of sequence changes on RNA splicing suggest that this variant may disrupt the consensus splice site. In summary, the available evidence is currently insufficient to determine the role of this variant in disease. Therefore, it has been classified as a Variant of Uncertain Significance.

Literature cited by the submitters: PubMed 17576681; PubMed 9536098.

NM_001377295.2(GNAT2):c.720G>C (p.Val240=)

Genes: GNAT2 (G protein subunit alpha transducin 2; minus strand), LOC129388577 (MPRA-validated peak357 silencer; plus strand). Cytogenetic location: 1p13.3.
Variant type: single nucleotide variant.
Coding change: c.720G>C on transcript NM_001377295.2 (MANE Select); coding-DNA position 720, G replaced by C.
Protein change: p.Val240=; no amino-acid change (valine 240 retained).
Molecular consequence: synonymous variant.
Genome position (GRCh38, 1-based): chr1:109,605,970, C>G on the plus strand (G>C on the coding strand, the complement: GNAT2 is on the minus strand). VCF-style: chr1-109605970-C-G. GRCh37 (hg19) VCF-style: chr1-110148592-C-G.
Other names: c.720G>C, p.Val240= (NM_001379232.1, NM_005272.5).
Identifiers: ClinVar variation 1997994 (VCV001997994.4), dbSNP rs2524336820, ClinGen allele CA419683005.